The following is an entry in ClinVar:

ClinVar aggregate classification (germline): Pathogenic/Likely pathogenic. Review status: criteria provided, multiple submitters, no conflicts (2 of 4 stars). 2 submissions from 2 submitters: Pathogenic (1); Likely pathogenic (1). Last evaluated 2026-05-04.

Conditions:
Familial X-linked hypophosphatemic vitamin D refractory rickets (XLHRD). Also called: Hypophosphatemia, vitamin D-resistant rickets; Vitamin D-resistant rickets, X-linked; HYPOPHOSPHATEMIC VITAMIN D-RESISTANT RICKETS; Hypophosphatemic Rickets, X-Linked Dominant; X-Linked Hypophosphatemia. Identifiers: Orphanet 89936, MedGen C0733682, MONDO:0010619, OMIM 307800.

Submissions (2):

Women's Health and Genetics/Laboratory Corporation of America, LabCorp
Classification: Likely pathogenic for Familial X-linked hypophosphatemic vitamin D refractory rickets. Last evaluated: 2026-05-04. Review status: criteria provided, single submitter. Criteria: LabCorp Variant Classification Summary - May 2015. Collection method: clinical testing. Allele origin: germline.
Comment: Variant summary: PHEX c.1949T>C (p.Leu650Pro) results in a non-conservative amino acid change in the encoded protein sequence. Algorithms developed to predict the effect of missense changes on protein structure and function all suggest that this variant is likely to be disruptive. The variant was absent in 183434 control chromosomes (gnomAD). c.1949T>C has been observed in individuals affected with X-Linked Hypophosphatemic Rickets (Jo_2020, Constantacos_2021). These data indicate that the variant may be associated with disease. To our knowledge, no experimental evidence demonstrating an impact on protein function has been reported. Internally validated machine learning-based Evidence Modeling of protein sequence and biophysical properties (such as structural, functional, and spatial information, amino acid conservation, physicochemical variation, residue mobility, and thermodynamic stability) indicates that this missense variant is expected to disrupt protein function with a positive predictive value of at least 95%. The following publications have been ascertained in the context of this evaluation (PMID: 32252220, 34011663). ClinVar contains an entry for this variant (Variation ID: 36675). Based on the evidence outlined above, the variant was classified as likely pathogenic.

Labcorp Genetics (formerly Invitae), Labcorp
Classification: Pathogenic. Last evaluated: 2025-09-28. Review status: criteria provided, single submitter. Criteria: Invitae Variant Classification Sherloc (09022015). Collection method: clinical testing. Allele origin: germline.
Comment: This sequence change replaces leucine, which is neutral and non-polar, with proline, which is neutral and non-polar, at codon 650 of the PHEX protein (p.Leu650Pro). This variant is not present in population databases (gnomAD no frequency). This missense change has been observed in individual(s) with hypophosphatemic rickets (PMID: 32252220, 34011663). ClinVar contains an entry for this variant (Variation ID: 36675). Invitae Evidence Modeling of protein sequence and biophysical properties (such as structural, functional, and spatial information, amino acid conservation, physicochemical variation, residue mobility, and thermodynamic stability) indicates that this missense variant is expected to disrupt PHEX protein function with a positive predictive value of 95%. For these reasons, this variant has been classified as Pathogenic.

Literature cited by the submitters: PubMed 34011663 (cited by Women's Health and Genetics/Laboratory Corporation of America, LabCorp and Labcorp Genetics (formerly Invitae), Labcorp); PubMed 32252220 (cited by Women's Health and Genetics/Laboratory Corporation of America, LabCorp and Labcorp Genetics (formerly Invitae), Labcorp).

NM_000444.6(PHEX):c.1949T>C (p.Leu650Pro)

Genes: PTCHD1-AS (PTCHD1 and PHEX antisense RNA; minus strand), PHEX (phosphate regulating endopeptidase X-linked; plus strand). Cytogenetic location: Xp22.11.
Variant type: single nucleotide variant.
Coding change: c.1949T>C on transcript NM_000444.6 (MANE Select); coding-DNA position 1949, T replaced by C.
Protein change: p.Leu650Pro; replaces leucine 650 with proline.
Molecular consequence: missense variant.
Genome position (GRCh38, 1-based): chrX:22,226,492, T>C. VCF-style: chrX-22226492-T-C. GRCh37 (hg19) VCF-style: chrX-22244609-T-C.
Other names: c.1949T>C, p.Leu650Pro (NM_001282754.2); short protein forms L650P.
Identifiers: ClinVar variation 36675 (VCV000036675.10), dbSNP rs193922456, ClinGen allele CA260504.